The following is an entry in ClinVar:

NM_020738.4(KIDINS220):c.5068G>A (p.Ala1690Thr)

Gene: KIDINS220 (kinase D interacting substrate 220; minus strand). Cytogenetic location: 2p25.1.
Variant type: single nucleotide variant.
Coding change: c.5068G>A on transcript NM_020738.4 (MANE Select); coding-DNA position 5068, G replaced by A.
Protein change: p.Ala1690Thr; replaces alanine 1690 with threonine.
Molecular consequence: missense variant. On other transcripts: intron variant (6).
Genome position (GRCh38, 1-based): chr2:8,730,968, C>T on the plus strand (G>A on the coding strand, the complement: KIDINS220 is on the minus strand). VCF-style: chr2-8730968-C-T. GRCh37 (hg19) VCF-style: chr2-8871098-C-T.
Other names: c.5071G>A, p.Ala1691Thr (NM_001348729.2); c.5014G>A, p.Ala1672Thr (NM_001348731.2); c.5011G>A, p.Ala1671Thr (NM_001348732.2); c.4900G>A, p.Ala1634Thr (NM_001348734.2); c.4897G>A, p.Ala1633Thr (NM_001348735.2); c.4771G>A, p.Ala1591Thr (NM_001348736.2); c.3882+2476G>A (NM_001348741.2, NM_001348742.2, NM_001348743.2); c.3996+2476G>A (NM_001348738.2); and 1 more; short protein forms A1634T, A1591T, A1672T, A1691T, A1633T, A1671T, A1690T.
Identifiers: ClinVar variation 2224651 (VCV002224651.7), dbSNP rs78365141, ClinGen allele CA1519256.
Genomic context (GRCh38, chr2:8,730,968, plus strand): 5'-GAGAAGTCTCCCTAATTCCCTCCATCTCATCGAAATTTTGATTGGCTCTGTTGGCTGGAG[C>T]ACTATTGTTGTTCAGAGTCACGGTGCTGGGAGTTCGGTTCAGGTTGTAGGCTTTCTGGCA-3'
Protein context (NP_065789.1, residues 1680-1700): PSTVTLNNNS[Ala1690Thr]PANRANQNFD

ClinVar aggregate classification (germline): Uncertain significance. Review status: criteria provided, multiple submitters, no conflicts (2 of 4 stars). 3 submissions from 3 submitters: Uncertain significance (3). Last evaluated 2025-04-30.

Conditions:
Inborn genetic diseases. Identifiers: MedGen C0950123, MeSH D030342.
KIDINS220-related disorder. Also called: KIDINS220-related condition.

Allele frequency attached by ClinVar (database versions not stated): gnomAD 0.00001; TOPMed 0.00002.
gnomAD v4.1: 13 of 1,614,070 alleles (0.00081%); highest among the groups gnomAD compares: Non-Finnish European, 0.0011%; no homozygotes.

Submissions (3):

PreventionGenetics, part of Exact Sciences
Classification: Uncertain significance for KIDINS220-related condition. Last evaluated: 2025-04-30. Review status: criteria provided, single submitter. Criteria: ACMG Guidelines, 2015. Collection method: clinical testing. Allele origin: germline.
Comment: The KIDINS220 c.5068G>A variant is predicted to result in the amino acid substitution p.Ala1690Thr. To our knowledge, this variant has not been reported in the literature. This variant is reported in 0.0023% of alleles in individuals of European (Non-Finnish) descent in gnomAD. At this time, the clinical significance of this variant is uncertain due to the absence of conclusive functional and genetic evidence.

Labcorp Genetics (formerly Invitae), Labcorp
Classification: Uncertain significance. Last evaluated: 2023-01-15. Review status: criteria provided, single submitter. Criteria: Invitae Variant Classification Sherloc (09022015). Collection method: clinical testing. Allele origin: germline.
Comment: This variant is present in population databases (rs78365141, gnomAD 0.002%). This variant has not been reported in the literature in individuals affected with KIDINS220-related conditions. Algorithms developed to predict the effect of missense changes on protein structure and function output the following: SIFT: "Tolerated"; PolyPhen-2: "Benign"; Align-GVGD: "Class C0". The threonine amino acid residue is found in multiple mammalian species, which suggests that this missense change does not adversely affect protein function. In summary, the available evidence is currently insufficient to determine the role of this variant in disease. Therefore, it has been classified as a Variant of Uncertain Significance. This sequence change replaces alanine, which is neutral and non-polar, with threonine, which is neutral and polar, at codon 1690 of the KIDINS220 protein (p.Ala1690Thr).

Ambry Genetics
Classification: Uncertain significance for Inborn genetic diseases. Last evaluated: 2022-02-26. Review status: criteria provided, single submitter. Criteria: Ambry Variant Classification Scheme 2023. Collection method: clinical testing. Allele origin: germline.